The following is an entry in ClinVar:

ClinVar aggregate classification (germline): Uncertain significance. Review status: criteria provided, multiple submitters, no conflicts (2 of 4 stars). 2 submissions from 2 submitters: Uncertain significance (2). Last evaluated 2019-10-23.

Conditions:
Brugada syndrome. Also called: Sudden unexplained nocturnal death syndrome; Sudden unexpected nocturnal death syndrome; Sudden Unexplained Death Syndrome; Sudden Unexplained Nocturnal Death Syndrome (SUNDS). Identifiers: Orphanet 130, MedGen C1142166, MONDO:0015263.

Submissions (2):

Labcorp Genetics (formerly Invitae), Labcorp
Classification: Uncertain significance for Brugada syndrome. Last evaluated: 2019-10-23. Review status: criteria provided, single submitter. Criteria: Invitae Variant Classification Sherloc (09022015). Collection method: clinical testing. Allele origin: germline.
Comment: In summary, the available evidence is currently insufficient to determine the role of this variant in disease. Therefore, it has been classified as a Variant of Uncertain Significance. Experimental studies and prediction algorithms are not available or were not evaluated, and the functional significance of this variant is currently unknown. This variant has not been reported in the literature in individuals with SCN10A-related conditions. This variant is not present in population databases (ExAC no frequency). This sequence change results in a premature translational stop signal in the SCN10A gene (p.Glu1814*). While this is not anticipated to result in nonsense mediated decay, it is expected to disrupt the last 143 amino acids of the SCN10A protein.

GeneDx
Classification: Uncertain significance. Last evaluated: 2019-05-16. Review status: criteria provided, single submitter. Criteria: GeneDx Variant Classification Process June 2021. Collection method: clinical testing. Allele origin: germline. Affected: yes.
Comment: Not observed in large population cohorts (Lek et al., 2016); Nonsense variant predicted to result in protein truncation in a gene for which loss-of-function is not a known mechanism of disease; Has not been previously published as pathogenic or benign to our knowledge

NM_006514.4(SCN10A):c.5440G>T (p.Glu1814Ter)

Gene: SCN10A (sodium voltage-gated channel alpha subunit 10; minus strand). Cytogenetic location: 3p22.2.
Variant type: single nucleotide variant.
Coding change: c.5440G>T on transcript NM_006514.4 (MANE Select); coding-DNA position 5440, G replaced by T.
Protein change: p.Glu1814Ter; replaces glutamic acid 1814 with a stop codon.
Molecular consequence: nonsense.
Genome position (GRCh38, 1-based): chr3:38,697,780, C>A on the plus strand (G>T on the coding strand, the complement: SCN10A is on the minus strand). VCF-style: chr3-38697780-C-A. GRCh37 (hg19) VCF-style: chr3-38739271-C-A.
Other names: c.5437G>T, p.Glu1813Ter (NM_001293306.2); c.5146G>T, p.Glu1716Ter (NM_001293307.2); c.5440G>T (NM_006514.2); short protein forms E1716*, E1813*, E1814*.
Identifiers: ClinVar variation 969845 (VCV000969845.8), dbSNP rs1559405898, ClinGen allele CA352153422.
Genomic context (GRCh38, chr3:38,697,780, plus strand): 5'-GATTAGTTGCCATAAACTTCTCCTCCATATTTGCCTTCAGAGAATCCAACTCCCCGGATT[C>A]TCCTAGGACATTCTTGGTGAAAGCAAAAAGGATGTCCAAGCAGTGGATCTTATCTCCAGG-3'